The following is an entry in ClinVar:

ClinVar aggregate classification (germline): Uncertain significance (1 of 4 stars; one submission).

Conditions:
Aortic aneurysm, familial thoracic 7 (AAT7). Also called: AORTIC DISSECTION, FAMILIAL, WITH OR WITHOUT AORTIC ANEURYSM. Identifiers: MedGen C3151077, MONDO:0013418, OMIM 613780.

gnomAD v4.1: 1 of 1,614,204 alleles (0.000062%); highest among the groups gnomAD compares: Admixed American, 0.0017%; no homozygotes.

Submission:

Labcorp Genetics (formerly Invitae), Labcorp
Classification: Uncertain significance for Aortic aneurysm, familial thoracic 7. Last evaluated: 2025-09-16. Review status: criteria provided, single submitter. Criteria: Invitae Variant Classification Sherloc (09022015). Collection method: clinical testing. Allele origin: germline.
Comment: This sequence change replaces tyrosine, which is neutral and polar, with phenylalanine, which is neutral and non-polar, at codon 104 of the MYLK protein (p.Tyr104Phe). This variant is not present in population databases (gnomAD no frequency). This variant has not been reported in the literature in individuals affected with MYLK-related conditions. Invitae Evidence Modeling of protein sequence and biophysical properties (such as structural, functional, and spatial information, amino acid conservation, physicochemical variation, residue mobility, and thermodynamic stability) indicates that this missense variant is not expected to disrupt MYLK protein function with a negative predictive value of 95%. In summary, the available evidence is currently insufficient to determine the role of this variant in disease. Therefore, it has been classified as a Variant of Uncertain Significance.

NM_053025.4(MYLK):c.311A>T (p.Tyr104Phe)

Gene: MYLK (myosin light chain kinase; minus strand). Cytogenetic location: 3q21.1.
Variant type: single nucleotide variant.
Coding change: c.311A>T on transcript NM_053025.4 (MANE Select); coding-DNA position 311, A replaced by T.
Protein change: p.Tyr104Phe; replaces tyrosine 104 with phenylalanine.
Molecular consequence: missense variant. On other transcripts: intron variant (1).
Genome position (GRCh38, 1-based): chr3:123,752,393, T>A on the plus strand (A>T on the coding strand, the complement: MYLK is on the minus strand). VCF-style: chr3-123752393-T-A. GRCh37 (hg19) VCF-style: chr3-123471240-T-A.
Other names: c.311A>T, p.Tyr104Phe (NM_053026.4, NM_053027.4, NM_053028.4); c.-155-12392A>T (NM_001321309.2); short protein forms Y104F.
Identifiers: ClinVar variation 4803977 (VCV004803977.1).